The following is an entry in ClinVar:

NM_015981.4(CAMK2A):c.89G>A (p.Cys30Tyr)

Gene: CAMK2A (calcium/calmodulin dependent protein kinase II alpha; minus strand). Cytogenetic location: 5q32.
Variant type: single nucleotide variant.
Coding change: c.89G>A on transcript NM_015981.4 (MANE Select); coding-DNA position 89, G replaced by A.
Protein change: p.Cys30Tyr; replaces cysteine 30 with tyrosine.
Molecular consequence: missense variant.
Genome position (GRCh38, 1-based): chr5:150,273,133, C>T on the plus strand (G>A on the coding strand, the complement: CAMK2A is on the minus strand). VCF-style: chr5-150273133-C-T. GRCh37 (hg19) VCF-style: chr5-149652696-C-T.
Other names: c.89G>A, p.Cys30Tyr (NM_001363989.1, NM_001363990.1, NM_001369025.2 and 1 more transcripts); short protein forms C30Y.
Identifiers: ClinVar variation 3339373 (VCV003339373.1).

ClinVar aggregate classification (germline): Uncertain significance (1 of 4 stars; one submission).

Submission:

Women's Health and Genetics/Laboratory Corporation of America, LabCorp
Classification: Uncertain significance. Last evaluated: 2024-07-23. Review status: criteria provided, single submitter. Criteria: LabCorp Variant Classification Summary - May 2015. Collection method: clinical testing. Allele origin: germline.
Comment: Variant summary: CAMK2A c.89G>A (p.Cys30Tyr) results in a non-conservative amino acid change located in the Protein kinase domain (IPR000719) of the encoded protein sequence. Four of five in-silico tools predict a damaging effect of the variant on protein function. The variant was absent in 251120 control chromosomes. The available data on variant occurrences in the general population are insufficient to allow any conclusion about variant significance. To our knowledge, no occurrence of c.89G>A in individuals affected with Intellectual Disability, Autosomal Dominant 53 and no experimental evidence demonstrating its impact on protein function have been reported. No submitters have cited clinical-significance assessments for this variant to ClinVar. Based on the evidence outlined above, the variant was classified as uncertain significance.